The following is an entry in ClinVar:

NM_206933.4(USH2A):c.3443C>T (p.Pro1148Leu)

Genes: USH2A-AS1 (USH2A antisense RNA 1; plus strand), USH2A (usherin; minus strand). Cytogenetic location: 1q41.
Variant type: single nucleotide variant.
Coding change: c.3443C>T on transcript NM_206933.4 (MANE Select); coding-DNA position 3443, C replaced by T.
Protein change: p.Pro1148Leu; replaces proline 1148 with leucine.
Molecular consequence: missense variant.
Genome position (GRCh38, 1-based): chr1:216,199,995, G>A on the plus strand (C>T on the coding strand, the complement: USH2A is on the minus strand). VCF-style: chr1-216199995-G-A. GRCh37 (hg19) VCF-style: chr1-216373337-G-A.
Other names: c.3443C>T, p.Pro1148Leu (NM_007123.6); short protein forms P1148L.
Identifiers: ClinVar variation 965280 (VCV000965280.26), dbSNP rs141339026, ClinGen allele CA1395986.
Genomic context (GRCh38, chr1:216,199,995, plus strand): 5'-GTAAGTGTCACAGAGTCTGAGCCAATAGGAATGATATAACTTAAAGTCAAGTTTCCCTCT[G>A]GGACCCCTGGTTTTGTCTTGTAAGTGACAGCTACACTCCTTGTTGAACCATGCACATTGG-3'
Protein context (NP_996816.3, residues 1138-1158): AVTYKTKPGV[Pro1148Leu]EGNLTLSYII

ClinVar aggregate classification (germline): Uncertain significance. Review status: criteria provided, multiple submitters, no conflicts (2 of 4 stars). 12 submissions from 11 submitters: Uncertain significance (8). 4 of the submissions do not count toward it. Last evaluated 2026-08-27.

Conditions:
USH2A-related disorder. Also called: USH2A-related disorders; USH2A-related condition. Identifiers: MedGen CN239332.
Usher syndrome type 2A. Also called: RETINAL DISEASE IN USHER SYNDROME TYPE IIA, MODIFIER OF; USHER SYNDROME, TYPE IIA. Identifiers: Orphanet 231178, Orphanet 886, MedGen C1848634, MONDO:0010169, OMIM 276901.
Retinitis pigmentosa 39 (RP39). Identifiers: Orphanet 791, MedGen C3151138, MONDO:0013436, OMIM 613809.
Retinal dystrophy. Also called: Inherited retinal dystrophy. Identifiers: Orphanet 71862, MedGen C0854723, MeSH D058499, MONDO:0019118, HP:0000556.

Allele frequency attached by ClinVar (database versions not stated): TOPMed 0.00004; ExAC 0.00006; ESP Exome Variant Server 0.00008; gnomAD exomes 0.00008 and 0.00009; gnomAD 0.00009 and 0.00011.
gnomAD v4.1: 147 of 1,613,960 alleles (0.0091%); highest among the groups gnomAD compares: Non-Finnish European, 0.012%; no homozygotes.

Submissions (12):

PreventionGenetics, part of Exact Sciences
Classification: Uncertain significance for USH2A-related condition. Last evaluated: 2026-08-27. Review status: criteria provided, single submitter. Criteria: ACMG Guidelines, 2015. Collection method: clinical testing. Allele origin: germline.
Comment: The USH2A c.3443C>T variant is predicted to result in the amino acid substitution p.Pro1148Leu. This variant was reported in the heterozygous state in an individual with retinitis pigmentosa without a second potentially causative variant (Table 1, Reurink et al. 2023. PubMed ID: 36785559). This variant is reported in 0.017% of alleles in individuals of European (Non-Finnish) descent in gnomAD. At this time, the clinical significance of this variant is uncertain due to the absence of conclusive functional and genetic evidence.

Labcorp Genetics (formerly Invitae), Labcorp
Classification: Uncertain significance. Last evaluated: 2026-01-18. Review status: criteria provided, single submitter. Criteria: Invitae Variant Classification Sherloc (09022015). Collection method: clinical testing. Allele origin: germline.
Comment: This sequence change replaces proline, which is neutral and non-polar, with leucine, which is neutral and non-polar, at codon 1148 of the USH2A protein (p.Pro1148Leu). This variant is present in population databases (rs141339026, gnomAD 0.02%). This missense change has been observed in individual(s) with USH2A-related conditions (PMID: 36785559). ClinVar contains an entry for this variant (Variation ID: 965280). Invitae Evidence Modeling of protein sequence and biophysical properties (such as structural, functional, and spatial information, amino acid conservation, physicochemical variation, residue mobility, and thermodynamic stability) indicates that this missense variant is expected to disrupt USH2A protein function with a positive predictive value of 95%. In summary, the available evidence is currently insufficient to determine the role of this variant in disease. Therefore, it has been classified as a Variant of Uncertain Significance.

CeGaT Center for Human Genetics Tuebingen
Classification: Uncertain significance. Last evaluated: 2025-05-01. Review status: criteria provided, single submitter. Criteria: CeGaT Center For Human Genetics Tuebingen Variant Classification Criteria Version 2. Collection method: clinical testing. Allele origin: germline. Affected: yes. Observed: 1 variant allele.
Comment: USH2A: PM2

3billion
Classification: Uncertain significance for Retinitis pigmentosa 39. Last evaluated: 2025-03-26. Review status: criteria provided, single submitter. Criteria: ACMG Guidelines, 2015. Collection method: clinical testing. Allele origin: germline. Affected: yes.

Blueprint Genetics
Classification: Uncertain significance. Last evaluated: 2024-08-15. Review status: criteria provided, single submitter. Criteria: ACMG Guidelines, 2015. Collection method: clinical testing. Allele origin: germline.

Genome-Nilou Lab
Classification: Uncertain significance for Retinitis pigmentosa 39. Last evaluated: 2023-11-04. Review status: criteria provided, single submitter. Criteria: ACMG Guidelines, 2015. Collection method: clinical testing. Allele origin: germline. Affected: no.

Genome-Nilou Lab
Classification: Uncertain significance for Usher syndrome type 2A. Last evaluated: 2023-11-04. Review status: criteria provided, single submitter. Criteria: ACMG Guidelines, 2015. Collection method: clinical testing. Allele origin: germline. Affected: no.

GeneDx
Classification: Uncertain significance. Last evaluated: 2021-09-23. Review status: criteria provided, single submitter. Criteria: GeneDx Variant Classification Process June 2021. Collection method: clinical testing. Allele origin: germline. Affected: yes.
Comment: In silico analysis supports that this missense variant has a deleterious effect on protein structure/function; Has not been previously published as pathogenic or benign to our knowledge

Natera, Inc.
Classification: Uncertain significance for Usher syndrome type 2A. Last evaluated: 2020-06-08. Review status: no assertion criteria provided. Collection method: clinical testing. Allele origin: germline. Not counted in ClinVar's aggregate classification.

Institute of Human Genetics, Univ. Regensburg, Univ. Regensburg
Classification: Uncertain significance for Retinal dystrophy. Last evaluated: 2018-01-01. Review status: no assertion criteria provided. Criteria: ACMG Guidelines, 2015. Collection method: clinical testing. Allele origin: germline. Affected: yes. Not counted in ClinVar's aggregate classification.

Clinical Genetics DNA and cytogenetics Diagnostics Lab, Erasmus MC, Erasmus Medical Center
Classification: Uncertain significance. Review status: no assertion criteria provided. Collection method: clinical testing. Allele origin: germline. Affected: yes. Study: VKGL Data-share Consensus. Not counted in ClinVar's aggregate classification.

Joint Genome Diagnostic Labs from Nijmegen and Maastricht, Radboudumc and MUMC+
Classification: Uncertain significance. Review status: no assertion criteria provided. Collection method: clinical testing. Allele origin: germline. Affected: yes. Study: VKGL Data-share Consensus. Not counted in ClinVar's aggregate classification.

Literature cited by the submitters: PubMed 36785559 (cited by Labcorp Genetics (formerly Invitae), Labcorp).